The following is an entry in ClinVar:

ClinVar aggregate classification (germline): Uncertain significance (1 of 4 stars; one submission).

Conditions:
Cardiovascular phenotype. Identifiers: MedGen CN230736.

Submission:

Ambry Genetics
Classification: Uncertain significance for Cardiovascular phenotype. Last evaluated: 2024-04-08. Review status: criteria provided, single submitter. Criteria: Ambry Variant Classification Scheme 2023. Collection method: clinical testing. Allele origin: germline.
Comment: The p.N150D variant (also known as c.448A>G), located in coding exon 3 of the FKBP14 gene, results from an A to G substitution at nucleotide position 448. The asparagine at codon 150 is replaced by aspartic acid, an amino acid with highly similar properties. This amino acid position is conserved. In addition, this alteration is predicted to be tolerated by in silico analysis. Based on the available evidence, the clinical significance of this variant remains unclear.

NM_017946.4(FKBP14):c.448A>G (p.Asn150Asp)

Genes: FKBP14 (FKBP prolyl isomerase 14; minus strand), FKBP14-AS1 (FKBP14 antisense RNA 1; plus strand). Cytogenetic location: 7p14.3.
Variant type: single nucleotide variant.
Coding change: c.448A>G on transcript NM_017946.4 (MANE Select); coding-DNA position 448, A replaced by G.
Protein change: p.Asn150Asp; replaces asparagine 150 with aspartic acid.
Molecular consequence: missense variant. On other transcripts: non-coding transcript variant (2).
Genome position (GRCh38, 1-based): chr7:30,019,025, T>C on the plus strand (A>G on the coding strand, the complement: FKBP14 is on the minus strand). VCF-style: chr7-30019025-T-C. GRCh37 (hg19) VCF-style: chr7-30058641-T-C.
Other names: short protein forms N150D.
Identifiers: ClinVar variation 3278932 (VCV003278932.1).